The following is an entry in ClinVar:

ClinVar aggregate classification (germline): Uncertain significance (1 of 4 stars; one submission).

Conditions:
Hereditary cancer-predisposing syndrome. Also called: Neoplastic Syndromes, Hereditary; Tumor predisposition; Hereditary neoplastic syndrome; Hereditary Cancer Syndrome. Identifiers: Orphanet 140162, MedGen C0027672, MeSH D009386, MONDO:0015356.

gnomAD v4.1: 1 of 1,614,154 alleles (0.000062%); highest among the groups gnomAD compares: East Asian, 0.0022%; no homozygotes.

Submission:

Ambry Genetics
Classification: Uncertain significance for Hereditary cancer-predisposing syndrome. Last evaluated: 2025-03-15. Review status: criteria provided, single submitter. Criteria: Ambry Variant Classification Scheme 2023. Collection method: clinical testing. Allele origin: germline.
Comment: The p.G1602R variant (also known as c.4804G>C), located in coding exon 29 of the ALK gene, results from a G to C substitution at nucleotide position 4804. The glycine at codon 1602 is replaced by arginine, an amino acid with dissimilar properties. This amino acid position is conserved. In addition, this alteration is predicted to be tolerated by in silico analysis. Based on the available evidence, the clinical significance of this variant remains unclear.

NM_004304.5(ALK):c.4804G>C (p.Gly1602Arg)

Gene: ALK (ALK receptor tyrosine kinase; minus strand). Cytogenetic location: 2p23.2.
Variant type: single nucleotide variant.
Coding change: c.4804G>C on transcript NM_004304.5 (MANE Select); coding-DNA position 4804, G replaced by C.
Protein change: p.Gly1602Arg; replaces glycine 1602 with arginine.
Molecular consequence: missense variant.
Genome position (GRCh38, 1-based): chr2:29,193,283, C>G on the plus strand (G>C on the coding strand, the complement: ALK is on the minus strand). VCF-style: chr2-29193283-C-G. GRCh37 (hg19) VCF-style: chr2-29416149-C-G.
Other names: c.1600G>C, p.Gly534Arg (NM_001353765.2); short protein forms G534R, G1602R.
Identifiers: ClinVar variation 4039704 (VCV004039704.1).